The following is an entry in ClinVar:

ClinVar aggregate classification (germline): Likely benign. Review status: criteria provided, multiple submitters, no conflicts (2 of 4 stars). 3 submissions from 3 submitters: Likely benign (3). Last evaluated 2025-08-29.

Conditions:
Neuronal ceroid lipofuscinosis. Also called: Neuronal Ceroid Lipofuscinoses. Identifiers: Orphanet 216, Orphanet 79263, MedGen C0027877, MONDO:0016295. Disease mechanism: loss of function.

Allele frequency attached by ClinVar (database versions not stated): TOPMed 0.00004.
gnomAD v4.1: 87 of 1,609,478 alleles (0.0054%); highest among the groups gnomAD compares: Admixed American, 0.054%; no homozygotes.

Submissions (3):

Labcorp Genetics (formerly Invitae), Labcorp
Classification: Likely benign for Neuronal ceroid lipofuscinosis. Last evaluated: 2025-08-29. Review status: criteria provided, single submitter. Criteria: Invitae Variant Classification Sherloc (09022015). Collection method: clinical testing. Allele origin: germline.

Women's Health and Genetics/Laboratory Corporation of America, LabCorp
Classification: Likely benign. Last evaluated: 2024-05-06. Review status: criteria provided, single submitter. Criteria: LabCorp Variant Classification Summary - May 2015. Collection method: clinical testing. Allele origin: germline.

GeneDx
Classification: Likely benign. Last evaluated: 2017-04-28. Review status: criteria provided, single submitter. Criteria: GeneDx Variant Classification (06012015). Collection method: clinical testing. Allele origin: germline. Affected: yes.
Comment: This variant is considered likely benign or benign based on one or more of the following criteria: it is a conservative change, it occurs at a poorly conserved position in the protein, it is predicted to be benign by multiple in silico algorithms, and/or has population frequency not consistent with disease.

NM_001042432.2(CLN3):c.963-16C>A

Gene: CLN3 (CLN3 lysosomal/endosomal transmembrane protein, battenin; minus strand). Cytogenetic location: 16p12.1.
Variant type: single nucleotide variant.
Coding change: c.963-16C>A on transcript NM_001042432.2 (MANE Select); 16 bases into the intron before coding-DNA position 963, C replaced by A.
Molecular consequence: intron variant.
Genome position (GRCh38, 1-based): chr16:28,482,214, G>T on the plus strand (C>A on the coding strand, the complement: CLN3 is on the minus strand). VCF-style: chr16-28482214-G-T. GRCh37 (hg19) VCF-style: chr16-28493535-G-T.
Other names: c.729-16C>A (NM_001286109.2); c.891-16C>A (NM_001286104.2); c.663-16C>A (NM_001286105.2); c.801-16C>A (NM_001286110.2); c.963-16C>A (NM_000086.2).
Identifiers: ClinVar variation 381985 (VCV000381985.9), dbSNP rs200023908, ClinGen allele CA7980729.